The following is an entry in ClinVar:

ClinVar aggregate classification (germline): Pathogenic (1 of 4 stars; one submission).

Conditions:
Hyperphosphatasia with impaired intellectual development syndrome 2. Also called: GLYCOSYLPHOSPHATIDYLINOSITOL BIOSYNTHESIS DEFECT 6; Hyperphosphatasia with intellectual disability syndrome 2. Identifiers: Orphanet 247262, MedGen C3553637, MONDO:0013882, OMIM 614749.

Allele frequency attached by ClinVar (database versions not stated): gnomAD 0.00001.

Submission:

Labcorp Genetics (formerly Invitae), Labcorp
Classification: Pathogenic for Hyperphosphatasia with impaired intellectual development syndrome 2. Last evaluated: 2022-10-05. Review status: criteria provided, single submitter. Criteria: Invitae Variant Classification Sherloc (09022015). Collection method: clinical testing. Allele origin: germline.
Comment: This variant is not present in population databases (gnomAD no frequency). For these reasons, this variant has been classified as Pathogenic. This variant has not been reported in the literature in individuals affected with PIGO-related conditions. This sequence change creates a premature translational stop signal (p.Gln805*) in the PIGO gene. It is expected to result in an absent or disrupted protein product. Loss-of-function variants in PIGO are known to be pathogenic (PMID: 22683086, 24417746).

Literature cited by the submitters: PubMed 22683086; PubMed 24417746.

NM_032634.4(PIGO):c.2413C>T (p.Gln805Ter)

Gene: PIGO (phosphatidylinositol glycan anchor biosynthesis class O; minus strand). Cytogenetic location: 9p13.3.
Variant type: single nucleotide variant.
Coding change: c.2413C>T on transcript NM_032634.4 (MANE Select); coding-DNA position 2413, C replaced by T.
Protein change: p.Gln805Ter; replaces glutamine 805 with a stop codon.
Molecular consequence: nonsense. On other transcripts: intron variant (2).
Genome position (GRCh38, 1-based): chr9:35,091,474, G>A on the plus strand (C>T on the coding strand, the complement: PIGO is on the minus strand). VCF-style: chr9-35091474-G-A. GRCh37 (hg19) VCF-style: chr9-35091471-G-A.
Other names: c.1345-183C>T (NM_152850.4, NM_001201484.2); short protein forms Q805*.
Identifiers: ClinVar variation 2034143 (VCV002034143.4), dbSNP rs1829412663, ClinGen allele CA373319880.
Genomic context (GRCh38, chr9:35,091,474, plus strand): 5'-CAGCCACAGTCAGGGGACCCTGAGATTTGGTCCTCTCTAACCGGCCCCGGAACTCCTCCT[G>A]CATGTGTCGGTAGATTTGAGGGACCACATAATCCAAGTCAGCTTGAGAAGTGGGGGGGCC-3'